The following is an entry in ClinVar:

NM_032119.4(ADGRV1):c.8778C>G (p.Tyr2926Ter)

Gene: ADGRV1 (adhesion G protein-coupled receptor V1; plus strand). Cytogenetic location: 5q14.3.
Variant type: single nucleotide variant.
Coding change: c.8778C>G on transcript NM_032119.4 (MANE Select); coding-DNA position 8778, C replaced by G.
Protein change: p.Tyr2926Ter; replaces tyrosine 2926 with a stop codon.
Molecular consequence: nonsense. On other transcripts: non-coding transcript variant (1).
Genome position (GRCh38, 1-based): chr5:90,708,863, C>G. VCF-style: chr5-90708863-C-G. GRCh37 (hg19) VCF-style: chr5-90004680-C-G.
Other names: short protein forms Y2926*.
Identifiers: ClinVar variation 1994599 (VCV001994599.4), dbSNP rs375310575, ClinGen allele CA360393516.

ClinVar aggregate classification (germline): Pathogenic (1 of 4 stars; one submission).

Submission:

Labcorp Genetics (formerly Invitae), Labcorp
Classification: Pathogenic. Last evaluated: 2022-05-15. Review status: criteria provided, single submitter. Criteria: Invitae Variant Classification Sherloc (09022015). Collection method: clinical testing. Allele origin: germline.
Comment: For these reasons, this variant has been classified as Pathogenic. This variant has not been reported in the literature in individuals affected with ADGRV1-related conditions. This variant is not present in population databases (gnomAD no frequency). This sequence change creates a premature translational stop signal (p.Tyr2926*) in the ADGRV1 gene. It is expected to result in an absent or disrupted protein product. Loss-of-function variants in ADGRV1 are known to be pathogenic (PMID: 19357117, 22135276, 22147658, 26226137, 26667666, 30029497, 32467589).

Literature cited by the submitters: PubMed 19357117; PubMed 22135276; PubMed 22147658; PubMed 26226137; PubMed 26667666; PubMed 30029497; PubMed 32467589.